The following is an entry in ClinVar:

ClinVar aggregate classification (germline): Uncertain significance. Review status: criteria provided, multiple submitters, no conflicts (2 of 4 stars). 3 submissions from 3 submitters: Uncertain significance (3). Last evaluated 2024-03-24.

Conditions:
Hereditary nonpolyposis colorectal neoplasms. Identifiers: MedGen C0009405, MeSH D003123.
Hereditary cancer-predisposing syndrome. Also called: Neoplastic Syndromes, Hereditary; Tumor predisposition; Hereditary Cancer Syndrome; Hereditary neoplastic syndrome. Identifiers: Orphanet 140162, MedGen C0027672, MeSH D009386, MONDO:0015356.

Allele frequency attached by ClinVar (database versions not stated): gnomAD 0.00001.
gnomAD v4.1: 2 of 1,614,010 alleles (0.00012%); highest among the groups gnomAD compares: African/African-American, 0.0027%; no homozygotes.

Submissions (4):

Labcorp Genetics (formerly Invitae), Labcorp
Classification: Uncertain significance for Hereditary nonpolyposis colorectal neoplasms. Last evaluated: 2024-03-24. Review status: criteria provided, single submitter. Criteria: Invitae Variant Classification Sherloc (09022015). Collection method: clinical testing. Allele origin: germline.
Comment: This sequence change replaces methionine, which is neutral and non-polar, with leucine, which is neutral and non-polar, at codon 622 of the PMS2 protein (p.Met622Leu). This variant is not present in population databases (gnomAD no frequency). This variant has not been reported in the literature in individuals affected with PMS2-related conditions. ClinVar contains an entry for this variant (Variation ID: 484303). Advanced modeling of protein sequence and biophysical properties (such as structural, functional, and spatial information, amino acid conservation, physicochemical variation, residue mobility, and thermodynamic stability) performed at Invitae indicates that this missense variant is not expected to disrupt PMS2 protein function with a negative predictive value of 80%. In summary, the available evidence is currently insufficient to determine the role of this variant in disease. Therefore, it has been classified as a Variant of Uncertain Significance.

Ambry Genetics
Classification: Uncertain significance for Hereditary cancer-predisposing syndrome. Last evaluated: 2023-02-02. Review status: criteria provided, single submitter. Criteria: Ambry Variant Classification Scheme 2023. Collection method: clinical testing. Allele origin: germline.
Comment: The p.M622L variant (also known as c.1864A>T), located in coding exon 11 of the PMS2 gene, results from an A to T substitution at nucleotide position 1864. The methionine at codon 622 is replaced by leucine, an amino acid with highly similar properties. This amino acid position is not well conserved in available vertebrate species. In addition, this alteration is predicted to be tolerated by in silico analysis. Since supporting evidence is limited at this time, the clinical significance of this alteration remains unclear.

Quest Diagnostics Nichols Institute San Juan Capistrano
Classification: Uncertain significance. Last evaluated: 2017-11-01. Review status: criteria provided, single submitter. Criteria: Quest Diagnostics criteria. Collection method: clinical testing. Allele origin: germline.

Dr. Peter K. Rogan Lab, Western University
No classification provided (evidence only). Condition: Malignant tumor of esophagus. Review status: no classification provided. Collection method: in vitro. Allele origin: not applicable. Functional consequence: retained intron. Not counted in ClinVar's aggregate classification.

NM_000535.7(PMS2):c.1864A>T (p.Met622Leu)

Gene: PMS2 (PMS1 homolog 2, mismatch repair system component; minus strand). Cytogenetic location: 7p22.1.
Variant type: single nucleotide variant.
Coding change: c.1864A>T on transcript NM_000535.7 (MANE Select); coding-DNA position 1864, A replaced by T.
Protein change: p.Met622Leu; replaces methionine 622 with leucine.
Molecular consequence: missense variant. On other transcripts: non-coding transcript variant (1).
Genome position (GRCh38, 1-based): chr7:5,986,901, T>A on the plus strand (A>T on the coding strand, the complement: PMS2 is on the minus strand). VCF-style: chr7-5986901-T-A. GRCh37 (hg19) VCF-style: chr7-6026532-T-A.
Other names: c.1459A>T, p.Met487Leu (NM_001322003.2, NM_001322004.2, NM_001322005.2 and 1 more transcripts); c.1708A>T, p.Met570Leu (NM_001322006.2); c.1546A>T, p.Met516Leu (NM_001322007.2, NM_001322008.2); c.1303A>T, p.Met435Leu (NM_001322010.2); c.931A>T, p.Met311Leu (NM_001322011.2, NM_001322012.2); c.1291A>T, p.Met431Leu (NM_001322013.2); c.1864A>T, p.Met622Leu (NM_001322014.2); c.1555A>T, p.Met519Leu (NM_001322015.2); short protein forms M622L, M487L, M435L, M519L, M311L, M431L, M516L, M570L.
Identifiers: ClinVar variation 484303 (VCV000484303.16), dbSNP rs370853512, ClinGen allele CA366739527.